The following is an entry in ClinVar:

NM_006996.3(SLC19A2):c.566_567delinsTCT (p.Ser189fs)

Gene: SLC19A2 (solute carrier family 19 member 2; minus strand). Cytogenetic location: 1q24.2.
Variant type: Indel.
Coding change: c.566_567delinsTCT on transcript NM_006996.3 (MANE Select); coding-DNA positions 566 to 567, GC replaced by TCT.
Protein change: p.Ser189fs; shifts the reading frame from serine 189.
Molecular consequence: frameshift variant. On other transcripts: intron variant (1).
Genome position (GRCh38, 1-based): chr1:169,477,395-169,477,396, GC replaced by AGA on the plus strand (GC replaced by TCT on the coding strand, the reverse complement: SLC19A2 is on the minus strand). VCF-style: chr1-169477395-GC-AGA. GRCh37 (hg19) VCF-style: chr1-169446633-GC-AGA.
Other names: p.Ser189Ilefs*52; c.205-7210_205-7209delinsTCT (NM_001319667.1); short protein forms S189fs.
Identifiers: ClinVar variation 3255578 (VCV003255578.2).
Genomic context (GRCh38, chr1:169,477,395, plus strand): 5'-AGGTAAAAACCAGGCCACAGCAAAAGCCACTGAAACACAGGTAAGAGAGATGACATTCAG[GC>AGA]TGAACAGCGACCAGCCTGCCACTGAGACAAGGATTTGCCCTAGGACAGAGCCCACTGTAA-3'

ClinVar aggregate classification (germline): Pathogenic (1 of 4 stars; one submission).

Conditions:
Megaloblastic anemia, thiamine-responsive, with diabetes mellitus and sensorineural deafness (TRMA). Also called: Thiamine-Responsive Megaloblastic Anemia Syndrome; THIAMINE METABOLISM DYSFUNCTION SYNDROME 1 (MEGALOBLASTIC ANEMIA, DIABETES MELLITUS, AND DEAFNESS TYPE); ROGERS SYNDROME; THIAMINE-RESPONSIVE ANEMIA SYNDROME; THIAMINE-RESPONSIVE MYELODYSPLASIA. Identifiers: Orphanet 49827, MedGen C0342287, MONDO:0009575, OMIM 249270.

Submission:

Breakthrough Genomics
Classification: Pathogenic for Megaloblastic anemia, thiamine-responsive, with diabetes mellitus and sensorineural deafness. Last evaluated: 2022-05-16. Review status: criteria provided, single submitter. Criteria: ACMG Guidelines, 2015. Collection method: clinical testing. Allele origin: germline. Affected: yes.
Comment: This variant has been reported in individuals with thiamine-responsive megaloblastic anemia in homozygous or compound heterozygous state [PMID: 33571483, 21448333, 18614593]. In addition, several other truncating variants lying downstream of the variant, have been previously reported as pathogenic in the ClinVar database context of megaloblastic anemia, thiamine-responsive, with diabetes mellitus and sensorineural deafness.